The following is an entry in ClinVar:

ClinVar aggregate classification (germline): Uncertain significance. Review status: criteria provided, multiple submitters, no conflicts (2 of 4 stars). 10 submissions from 10 submitters: Uncertain significance (10). Last evaluated 2025-09-21.

Conditions:
Hereditary cancer-predisposing syndrome. Also called: Tumor predisposition; Hereditary Cancer Syndrome; Hereditary neoplastic syndrome; Neoplastic Syndromes, Hereditary. Identifiers: Orphanet 140162, MedGen C0027672, MeSH D009386, MONDO:0015356.
Breast-ovarian cancer, familial, susceptibility to, 4. Identifiers: Orphanet 145, MedGen C3280345, MONDO:0013669, OMIM 614291.

Allele frequency attached by ClinVar (database versions not stated): TOPMed 0.00001; ESP Exome Variant Server 0.00008.
gnomAD v4.1: 16 of 1,614,126 alleles (0.00099%); highest among the groups gnomAD compares: Non-Finnish European, 0.0012%; no homozygotes.

Submissions (10):

Labcorp Genetics (formerly Invitae), Labcorp
Classification: Uncertain significance for Breast-ovarian cancer, familial, susceptibility to, 4. Last evaluated: 2025-09-21. Review status: criteria provided, single submitter. Criteria: Invitae Variant Classification Sherloc (09022015). Collection method: clinical testing. Allele origin: germline.
Comment: This sequence change replaces alanine, which is neutral and non-polar, with glutamic acid, which is acidic and polar, at codon 210 of the RAD51D protein (p.Ala210Glu). This variant is present in population databases (rs376855484, gnomAD 0.003%). This missense change has been observed in individual(s) with breast and fallopian tube cancer (PMID: 29522266, 33452952). ClinVar contains an entry for this variant (Variation ID: 410563). Invitae Evidence Modeling of protein sequence and biophysical properties (such as structural, functional, and spatial information, amino acid conservation, physicochemical variation, residue mobility, and thermodynamic stability) has been performed for this missense variant. However, the output from this modeling did not meet the statistical confidence thresholds required to predict the impact of this variant on RAD51D protein function. In summary, the available evidence is currently insufficient to determine the role of this variant in disease. Therefore, it has been classified as a Variant of Uncertain Significance.

Center for Genomic Medicine, Rigshospitalet, Copenhagen University Hospital
Classification: Uncertain significance. Last evaluated: 2025-03-04. Review status: criteria provided, single submitter. Criteria: ACMG Guidelines, 2015. Collection method: clinical testing. Allele origin: germline.

Ambry Genetics
Classification: Uncertain significance for Hereditary cancer-predisposing syndrome. Last evaluated: 2025-02-19. Review status: criteria provided, single submitter. Criteria: Ambry Variant Classification Scheme 2023. Collection method: clinical testing. Allele origin: germline.
Comment: The p.A210E variant (also known as c.629C>A), located in coding exon 7 of the RAD51D gene, results from a C to A substitution at nucleotide position 629. The alanine at codon 210 is replaced by glutamic acid, an amino acid with dissimilar properties. This amino acid position is highly conserved in available vertebrate species. In addition, this alteration is predicted to be deleterious by in silico analysis. Based on the available evidence, the clinical significance of this variant remains unclear.

Color Diagnostics, LLC DBA Color Health
Classification: Uncertain significance for Hereditary cancer-predisposing syndrome. Last evaluated: 2024-07-09. Review status: criteria provided, single submitter. Criteria: ACMG Guidelines, 2015. Collection method: clinical testing. Allele origin: germline.
Comment: This missense variant replaces alanine with glutamic acid at codon 210 of the RAD51D protein. Computational prediction is inconclusive regarding the impact of this variant on protein structure and function (internally defined REVEL score threshold 0.5 < inconclusive < 0.7, PMID: 27666373). To our knowledge, functional studies have not been reported for this variant. This variant has been reported in an individual affected with ovarian cancer who also carried the variant RAD51D c.82G>A, (p.Val28Met) that was reported to disrupt RNA splicing (PMID: 33452952), as well as in two individuals affected with breast cancer (PMID: 29522266, 33471991). This variant has been identified in 1/251402 chromosomes in the general population by the Genome Aggregation Database (gnomAD). The available evidence is insufficient to determine the role of this variant in disease conclusively. Therefore, this variant is classified as a Variant of Uncertain Significance.

Baylor Genetics
Classification: Uncertain significance for Breast-ovarian cancer, familial, susceptibility to, 4. Last evaluated: 2024-03-21. Review status: criteria provided, single submitter. Criteria: ACMG Guidelines, 2015. Collection method: clinical testing. Allele origin: unknown.

Department of Pathology and Laboratory Medicine, Sinai Health System
Classification: Uncertain significance for Breast-ovarian cancer, familial, susceptibility to, 4. Last evaluated: 2023-11-03. Review status: criteria provided, single submitter. Criteria: ACMG Guidelines, 2015. Collection method: clinical testing. Allele origin: germline. Affected: no.

GeneDx
Classification: Uncertain significance. Last evaluated: 2023-09-20. Review status: criteria provided, single submitter. Criteria: GeneDx Variant Classification Process June 2021. Collection method: clinical testing. Allele origin: germline. Affected: yes.
Comment: In silico analysis supports that this missense variant has a deleterious effect on protein structure/function; Not observed at significant frequency in large population cohorts (gnomAD); Also known as c.293C>A p.(Ala98Glu); This variant is associated with the following publications: (PMID: 29522266, 21111057, 14704354, 35496736, 33452952, 33471991, 35053526)

Quest Diagnostics Nichols Institute San Juan Capistrano
Classification: Uncertain significance. Last evaluated: 2023-01-30. Review status: criteria provided, single submitter. Criteria: Quest Diagnostics criteria. Collection method: clinical testing. Allele origin: unknown.
Comment: The frequency of this variant in the general population, 0.000004 (1/251402 chromosomes), is uninformative in assessment of its pathogenicity. This variant has been reported in individuals with breast cancer (PMIDs: 29522266 (2018) and 33471991 (2021)) and in an individual with high grade serous fallopian tube cancer however the individual also carried another variant (RAD51D c.82G>A) which was suggested to be the cause of the disease (PMID: 33452952 (2021)).Analysis of this variant using bioinformatics tools for the prediction of the effect of amino acid changes on protein structure and function yielded predictions that this variant is damaging. Based on the available information, we are unable to determine the clinical significance of this variant.

Sema4
Classification: Uncertain significance for Hereditary cancer-predisposing syndrome. Last evaluated: 2021-09-25. Review status: criteria provided, single submitter. Criteria: Sema4 Curation Guidelines. Collection method: curation. Allele origin: germline.
Comment: The RAD51D c.629C>A (p.A210E) variant has been reported in heterozygosity in at least two individuals with breast and/or ovarian cancer (PMID: 29522266, 33471991). It was observed in 1/113700 chromosomes of the Non-Finnish European subpopulation in the large and broad cohorts of the Genome Aggregation Database (PMID: 32461654). The variant has been reported in ClinVar (Variation ID: 410563). Functional studies have not been performed, and in silico predictions of the variant's effect on protein function are inconclusive. The evidence is insufficient to meet ACMG/AMP criteria for classifying the variant as benign or pathogenic. Thus, the clinical significance of this variant is currently uncertain.

Women's Health and Genetics/Laboratory Corporation of America, LabCorp
Classification: Uncertain significance. Last evaluated: 2017-11-03. Review status: criteria provided, single submitter. Criteria: LabCorp Variant Classification Summary - May 2015. Collection method: clinical testing. Allele origin: germline.
Comment: Variant summary: The RAD51D c.629C>A (p.Ala210Glu) variant involves the alteration of a conserved nucleotide. 4/4 in silico tools predict a damaging outcome for this variant (SNPsandGO not captured due to low reliability index). This variant was found in 3/246188 control chromosomes at a frequency of 0.0000122, which does not exceed the estimated maximal expected allele frequency of a pathogenic RAD51D variant (0.000125). In addition, multiple clinical diagnostic laboratories/reputable databases classified this variant as uncertain significance. The variant of interest has not, to our knowledge, been reported in affected individuals via publications and/or reputable databases/clinical diagnostic laboratories; nor evaluated for functional impact by in vivo/vitro studies. Because of the absence of clinical information and the lack of functional studies, the variant is classified as a variant of uncertain significance (VUS) until additional information becomes available.

Literature cited by the submitters: PubMed 29522266 (cited by 7 submitters); PubMed 33452952 (cited by 4 submitters); PubMed 33471991 (cited by 4 submitters).

NM_002878.4(RAD51D):c.629C>A (p.Ala210Glu)

Genes: RAD51D (RAD51 paralog D; minus strand), RAD51L3-RFFL (RAD51L3-RFFL readthrough; minus strand). Cytogenetic location: 17q12.
Variant type: single nucleotide variant.
Coding change: c.629C>A on transcript NM_002878.4 (MANE Select); coding-DNA position 629, C replaced by A.
Protein change: p.Ala210Glu; replaces alanine 210 with glutamic acid.
Molecular consequence: missense variant. On other transcripts: non-coding transcript variant (3).
Genome position (GRCh38, 1-based): chr17:35,103,492, G>T on the plus strand (C>A on the coding strand, the complement: RAD51D is on the minus strand). VCF-style: chr17-35103492-G-T. GRCh37 (hg19) VCF-style: chr17-33430511-G-T.
Other names: c.689C>A, p.Ala230Glu (NM_001142571.2); c.293C>A, p.Ala98Glu (NM_133629.3); short protein forms A210E, A230E, A98E.
Identifiers: ClinVar variation 410563 (VCV000410563.35), dbSNP rs376855484, ClinGen allele CA8499401.